The following is an entry in ClinVar:

ClinVar aggregate classification (germline): Uncertain significance (1 of 4 stars; one submission).

Submission:

Labcorp Genetics (formerly Invitae), Labcorp
Classification: Uncertain significance. Last evaluated: 2021-11-21. Review status: criteria provided, single submitter. Criteria: Invitae Variant Classification Sherloc (09022015). Collection method: clinical testing. Allele origin: germline.
Comment: In summary, the available evidence is currently insufficient to determine the role of this variant in disease. Therefore, it has been classified as a Variant of Uncertain Significance. Algorithms developed to predict the effect of missense changes on protein structure and function (SIFT, PolyPhen-2, Align-GVGD) all suggest that this variant is likely to be tolerated. This variant has not been reported in the literature in individuals affected with ORC1-related conditions. This variant is not present in population databases (gnomAD no frequency). This sequence change replaces arginine, which is basic and polar, with leucine, which is neutral and non-polar, at codon 222 of the ORC1 protein (p.Arg222Leu).

NM_004153.4(ORC1):c.665G>T (p.Arg222Leu)

Gene: ORC1 (origin recognition complex subunit 1; minus strand). Cytogenetic location: 1p32.3.
Variant type: single nucleotide variant.
Coding change: c.665G>T on transcript NM_004153.4 (MANE Select); coding-DNA position 665, G replaced by T.
Protein change: p.Arg222Leu; replaces arginine 222 with leucine.
Molecular consequence: missense variant.
Genome position (GRCh38, 1-based): chr1:52,396,102, C>A on the plus strand (G>T on the coding strand, the complement: ORC1 is on the minus strand). VCF-style: chr1-52396102-C-A. GRCh37 (hg19) VCF-style: chr1-52861774-C-A.
Other names: c.665G>T, p.Arg222Leu (NM_001190818.2, NM_001190819.2); short protein forms R222L.
Identifiers: ClinVar variation 1478973 (VCV001478973.6), dbSNP rs768606917, ClinGen allele CA340362429.